The following is an entry in ClinVar:

ClinVar aggregate classification (germline): Uncertain significance (1 of 4 stars; one submission).

Conditions:
Epileptic encephalopathy. Identifiers: MedGen C0543888, HP:0200134.

Allele frequency attached by ClinVar (database versions not stated): gnomAD exomes below 0.00001; ExAC 0.00001; TOPMed 0.00001; gnomAD 0.00002 and 0.00003; 1000 Genomes Project 0.00020; 1000 Genomes Project 30x 0.00031.
gnomAD v4.1: 4 of 1,613,706 alleles (0.00025%); highest among the groups gnomAD compares: Admixed American, 0.005%; no homozygotes.

Submission:

Labcorp Genetics (formerly Invitae), Labcorp
Classification: Uncertain significance for Epileptic encephalopathy. Last evaluated: 2020-08-25. Review status: criteria provided, single submitter. Criteria: Invitae Variant Classification Sherloc (09022015). Collection method: clinical testing. Allele origin: germline.
Comment: Algorithms developed to predict the effect of missense changes on protein structure and function output the following: SIFT: "Tolerated"; PolyPhen-2: "Benign"; Align-GVGD: "Class C0". The asparagine amino acid residue is found in multiple mammalian species, suggesting that this missense change does not adversely affect protein function. These predictions have not been confirmed by published functional studies and their clinical significance is uncertain. In summary, the available evidence is currently insufficient to determine the role of this variant in disease. Therefore, it has been classified as a Variant of Uncertain Significance. This variant is present in population databases (rs201512313, ExAC 0.009%). This variant has not been reported in the literature in individuals with RYR3-related conditions. This sequence change replaces aspartic acid with asparagine at codon 3285 of the RYR3 protein (p.Asp3285Asn). The aspartic acid residue is highly conserved and there is a small physicochemical difference between aspartic acid and asparagine.

NM_001036.6(RYR3):c.9853G>A (p.Asp3285Asn)

Gene: RYR3 (ryanodine receptor 3; plus strand). Cytogenetic location: 15q14.
Variant type: single nucleotide variant.
Coding change: c.9853G>A on transcript NM_001036.6 (MANE Select); coding-DNA position 9853, G replaced by A.
Protein change: p.Asp3285Asn; replaces aspartic acid 3285 with asparagine.
Molecular consequence: missense variant.
Genome position (GRCh38, 1-based): chr15:33,800,792, G>A. VCF-style: chr15-33800792-G-A. GRCh37 (hg19) VCF-style: chr15-34092993-G-A.
Other names: c.9853G>A, p.Asp3285Asn (NM_001243996.4); short protein forms D3285N.
Identifiers: ClinVar variation 1007519 (VCV001007519.9), dbSNP rs201512313, ClinGen allele CA7460642.
Genomic context (GRCh38, chr15:33,800,792, plus strand): 5'-TGAATTTCAAATGCCTGTTTATTTACTTTTGGACCCAGATCTAACTGGCTGAAAAGTCCT[G>A]ATGCTGATTCTGACCAGCTCTTCCGCATGGTGGCAGAAGTCTTCATTCTGTGGTGTAAAT-3'
Protein context (NP_001027.3, residues 3275-3295): NNRSNWLKSP[Asp3285Asn]ADSDQLFRMV